The following is an entry in ClinVar:

NM_016529.6(ATP8A2):c.743A>G (p.Tyr248Cys)

Gene: ATP8A2 (ATPase phospholipid transporting 8A2). Cytogenetic location: 13q12.13.
Variant type: single nucleotide variant.
Coding change: c.743A>G on transcript NM_016529.6 (MANE Select); coding-DNA position 743, A replaced by G.
Protein change: p.Tyr248Cys; replaces tyrosine 248 with cysteine.
Molecular consequence: missense variant.
Genome position (GRCh38, 1-based): chr13:25,542,010, A>G. VCF-style: chr13-25542010-A-G. GRCh37 (hg19) VCF-style: chr13-26116148-A-G.
Other names: c.623A>G, p.Tyr208Cys (NM_001313741.1); short protein forms Y248C, Y208C.
Identifiers: ClinVar variation 1029610 (VCV001029610.1), dbSNP rs200449118, ClinGen allele CA6922705.

ClinVar aggregate classification (germline): Uncertain significance (1 of 4 stars; one submission).

Conditions:
Cerebellar ataxia, impaired intellectual development, and dysequilibrium syndrome 4. Also called: CEREBELLAR ATAXIA AND MENTAL RETARDATION WITH OR WITHOUT QUADRUPEDAL LOCOMOTION 4; Cerebellar ataxia, mental retardation, and dysequilibrium syndrome 4; Cerebellar ataxia, intellectual disability, and dysequilibrium syndrome 4. Identifiers: Orphanet 1766, MedGen C3808977, MONDO:0014104, OMIM 615268.

Allele frequency attached by ClinVar (database versions not stated): gnomAD exomes below 0.00001 and 0.00001; gnomAD 0.00001; 1000 Genomes Project 30x 0.00016; TOPMed below 0.00001; ExAC 0.00001; 1000 Genomes Project 0.00020.

Submission:

Baylor Genetics
Classification: Uncertain significance for Cerebellar ataxia, impaired intellectual development, and dysequilibrium syndrome 4. Last evaluated: 2020-05-05. Review status: criteria provided, single submitter. Criteria: ACMG Guidelines, 2015. Collection method: clinical testing. Allele origin: unknown. Affected: yes.
Comment: This variant was determined to be of uncertain significance according to ACMG Guidelines, 2015 [PMID:25741868].